The following is an entry in ClinVar:

NM_003227.4(TFR2):c.1894C>T (p.Arg632Trp)

Gene: TFR2 (transferrin receptor 2; minus strand). Cytogenetic location: 7q22.1.
Variant type: single nucleotide variant.
Coding change: c.1894C>T on transcript NM_003227.4 (MANE Select); coding-DNA position 1894, C replaced by T.
Protein change: p.Arg632Trp; replaces arginine 632 with tryptophan.
Molecular consequence: missense variant.
Genome position (GRCh38, 1-based): chr7:100,627,365, G>A on the plus strand (C>T on the coding strand, the complement: TFR2 is on the minus strand). VCF-style: chr7-100627365-G-A. GRCh37 (hg19) VCF-style: chr7-100224988-G-A.
Other names: c.1381C>T, p.Arg461Trp (NM_001206855.3); short protein forms R461W, R632W.
Identifiers: ClinVar variation 2164008 (VCV002164008.1), dbSNP rs755561602, ClinGen allele CA4386248.

ClinVar aggregate classification (germline): Uncertain significance (1 of 4 stars; one submission).

Conditions:
Hereditary hemochromatosis (HFE). Identifiers: MedGen C0392514, MONDO:0006507. Disease mechanism: loss of function.

gnomAD v4.1: 15 of 1,553,612 alleles (0.00097%); highest among the groups gnomAD compares: Non-Finnish European, 0.0013%; no homozygotes.

Submission:

Labcorp Genetics (formerly Invitae), Labcorp
Classification: Uncertain significance for Hereditary hemochromatosis. Last evaluated: 2022-09-30. Review status: criteria provided, single submitter. Criteria: Invitae Variant Classification Sherloc (09022015). Collection method: clinical testing. Allele origin: germline.
Comment: This sequence change replaces arginine, which is basic and polar, with tryptophan, which is neutral and slightly polar, at codon 632 of the TFR2 protein (p.Arg632Trp). The frequency data for this variant in the population databases is considered unreliable, as metrics indicate poor data quality at this position in the gnomAD database. This variant has not been reported in the literature in individuals affected with TFR2-related conditions. Advanced modeling of protein sequence and biophysical properties (such as structural, functional, and spatial information, amino acid conservation, physicochemical variation, residue mobility, and thermodynamic stability) performed at Invitae indicates that this missense variant is expected to disrupt TFR2 protein function. In summary, the available evidence is currently insufficient to determine the role of this variant in disease. Therefore, it has been classified as a Variant of Uncertain Significance.